The following is an entry in ClinVar:

NM_003072.5(SMARCA4):c.3257A>G (p.Asp1086Gly)

Gene: SMARCA4 (SWI/SNF related BAF chromatin remodeling complex subunit ATPase 4; plus strand). Cytogenetic location: 19p13.2.
Variant type: single nucleotide variant.
Coding change: c.3257A>G on transcript NM_003072.5 (MANE Select); coding-DNA position 3257, A replaced by G.
Protein change: p.Asp1086Gly; replaces aspartic acid 1086 with glycine.
Molecular consequence: missense variant. On other transcripts: non-coding transcript variant (1).
Genome position (GRCh38, 1-based): chr19:11,027,825, A>G. VCF-style: chr19-11027825-A-G. GRCh37 (hg19) VCF-style: chr19-11138501-A-G.
Other names: c.3257A>G, p.Asp1086Gly (NM_001128844.3, NM_001128845.2, NM_001128846.2 and 6 more transcripts); short protein forms D1086G.
Identifiers: ClinVar variation 1729473 (VCV001729473.2), dbSNP rs2146542438, ClinGen allele CA404061383.

ClinVar aggregate classification (germline): Uncertain significance (1 of 4 stars; one submission).

Conditions:
Hereditary cancer-predisposing syndrome. Also called: Neoplastic Syndromes, Hereditary; Tumor predisposition; Hereditary Cancer Syndrome; Hereditary neoplastic syndrome. Identifiers: Orphanet 140162, MedGen C0027672, MeSH D009386, MONDO:0015356.

Submission:

Ambry Genetics
Classification: Uncertain significance for Hereditary cancer-predisposing syndrome. Last evaluated: 2022-05-13. Review status: criteria provided, single submitter. Criteria: Ambry Variant Classification Scheme 2023. Collection method: clinical testing. Allele origin: germline.
Comment: The p.D1086G variant (also known as c.3257A>G), located in coding exon 23 of the SMARCA4 gene, results from an A to G substitution at nucleotide position 3257. The aspartic acid at codon 1086 is replaced by glycine, an amino acid with similar properties. This amino acid position is highly conserved in available vertebrate species. In addition, this alteration is predicted to be deleterious by in silico analysis. Missense and in-frame variants in SMARCA4 are known to cause neurodevelopmental disorders; however, such associations with rhabdoid tumor predisposition syndrome including small cell carcinoma of the ovary-hypercalcemic type (SCCOHT) are exceedingly rare (Kosho T et al. Am J Med Genet C Semin Med Genet. 2014 Sep;166C(3):262-75; Jelinic P et al. Nat Genet. 2014 May;46(5):424-6). Since supporting evidence is limited at this time, the clinical significance of this alteration remains unclear.